The following is an entry in ClinVar:

NM_004701.4(CCNB2):c.822A>G (p.Ser274=)

Gene: CCNB2 (cyclin B2; plus strand). Cytogenetic location: 15q22.2.
Variant type: single nucleotide variant.
Coding change: c.822A>G on transcript NM_004701.4 (MANE Select); coding-DNA position 822, A replaced by G.
Protein change: p.Ser274=; no amino-acid change (serine 274 retained).
Molecular consequence: synonymous variant.
Genome position (GRCh38, 1-based): chr15:59,116,914, A>G. VCF-style: chr15-59116914-A-G. GRCh37 (hg19) VCF-style: chr15-59409113-A-G.
Identifiers: ClinVar variation 2645382 (VCV002645382.24), dbSNP rs754577593, ClinGen allele CA7588773.
Genomic context (GRCh38, chr15:59,116,914, plus strand): 5'-GAAAGAATTGAAATTTGAGTTGGGTCGACCCTTGCCACTACACTTCTTAAGGCGAGCATC[A>G]AAAGCCGGGGAGGTAAGTGCCTCCAGCTCTGTAAGAGACTATTTTTGCTTGGTGTCTCAT-3'
Protein context (NP_004692.1, residues 264-284): PLPLHFLRRA[Ser274=]KAGEVDVEQH

ClinVar aggregate classification (germline): Likely benign (1 of 4 stars; one submission).

Allele frequency attached by ClinVar (database versions not stated): gnomAD 0.00003; gnomAD exomes 0.00003; TOPMed 0.00004; ExAC 0.00005.
gnomAD v4.1: 42 of 1,613,276 alleles (0.0026%); highest among the groups gnomAD compares: Non-Finnish European, 0.0035%; no homozygotes.

Submission:

CeGaT Center for Human Genetics Tuebingen
Classification: Likely benign. Last evaluated: 2022-07-01. Review status: criteria provided, single submitter. Criteria: CeGaT Center For Human Genetics Tuebingen Variant Classification Criteria Version 2. Collection method: clinical testing. Allele origin: germline. Affected: yes. Observed: 1 variant allele.
Comment: CCNB2: BP4, BP7